The following is an entry in ClinVar:

NC_012920.1(MT-ND5):m.12940G>A

Gene: MT-ND5 (mitochondrially encoded NADH dehydrogenase 5; plus strand).
Variant type: single nucleotide variant.
Genome position: chrM-12940-G-A.
Identifiers: ClinVar variation 693502 (VCV000693502.1), dbSNP rs200106331, ClinGen allele CA337099579.

ClinVar aggregate classification (germline): Benign (1 of 4 stars; one submission).

Conditions:
Leigh syndrome (NULS). Also called: Leigh's necrotizing encephalopathy; Leigh's disease; Leigh Syndrome (mtDNA deletion); Leigh Disease; Subacute necrotizing encephalopathy; Necrotizing encephalopathy infantile subacute of Leigh. Identifiers: Orphanet 506, MedGen C2931891, MONDO:0009723, OMIM 256000.

Submission:

Wong Mito Lab, Molecular and Human Genetics, Baylor College of Medicine
Classification: Benign for Leigh syndrome. Last evaluated: 2019-10-17. Review status: criteria provided, single submitter. Criteria: Modified ACMG Guidelines (Unpublished). Collection method: clinical testing. Allele origin: germline.
Comment: The NC_012920.1:m.12940G>A (YP_003024036.1:p.Ala202Thr) variant in MTND5 gene is interpretated to be a Benign variant based on the modified ACMG guidelines (unpublished). This variant meets the following evidence codes: BA1